The following is an entry in ClinVar:

NM_194454.3(KRIT1):c.954T>C (p.Asp318=)

Gene: KRIT1 (KRIT1 ankyrin repeat containing; minus strand). Cytogenetic location: 7q21.2.
Variant type: single nucleotide variant.
Coding change: c.954T>C on transcript NM_194454.3 (MANE Select); coding-DNA position 954, T replaced by C.
Protein change: p.Asp318=; no amino-acid change (aspartic acid 318 retained).
Molecular consequence: synonymous variant. On other transcripts: intron variant (3).
Genome position (GRCh38, 1-based): chr7:92,234,484, A>G on the plus strand (T>C on the coding strand, the complement: KRIT1 is on the minus strand). VCF-style: chr7-92234484-A-G. GRCh37 (hg19) VCF-style: chr7-91863798-A-G.
Other names: c.240T>C, p.Asp80= (NM_001350671.1); c.954T>C, p.Asp318= (NM_001350672.1, NM_001350673.1, NM_001350674.1 and 26 more transcripts); c.845+324T>C (NM_001350669.1, NM_001013406.2, NM_001350670.1).
Identifiers: ClinVar variation 4977082 (VCV004977082.1).

ClinVar aggregate classification (germline): Likely benign (1 of 4 stars; one submission).

Conditions:
KRIT1-related disorder. Also called: KRIT1-related condition; KRIT1-related disorders.

gnomAD v4.1: 5 of 1,610,216 alleles (0.00031%); highest among the groups gnomAD compares: Non-Finnish European, 0.00034%; no homozygotes.

Submission:

PreventionGenetics, part of Exact Sciences
Classification: Likely benign for KRIT1-related condition. Last evaluated: 2024-11-18. Review status: criteria provided, single submitter. Criteria: ACMG Guidelines, 2015. Collection method: clinical testing. Allele origin: germline.
Comment: This variant is classified as likely benign based on ACMG/AMP sequence variant interpretation guidelines (Richards et al. 2015 PMID: 25741868, with internal and published modifications).